The following is an entry in ClinVar:

ClinVar aggregate classification (germline): Conflicting classifications of pathogenicity. Review status: criteria provided, conflicting classifications (1 of 4 stars). 2 submissions from 2 submitters: Uncertain significance (1); Likely benign (1). Last evaluated 2025-05-30.

Allele frequency attached by ClinVar (database versions not stated): TOPMed 0.00001.
gnomAD v4.1: 58 of 1,612,020 alleles (0.0036%); highest among the groups gnomAD compares: South Asian, 0.059%; no homozygotes.

Submissions (2):

Labcorp Genetics (formerly Invitae), Labcorp
Classification: Uncertain significance. Last evaluated: 2025-05-30. Review status: criteria provided, single submitter. Criteria: Invitae Variant Classification Sherloc (09022015). Collection method: clinical testing. Allele origin: germline.
Comment: This sequence change replaces proline, which is neutral and non-polar, with leucine, which is neutral and non-polar, at codon 10 of the TOPORS protein (p.Pro10Leu). This variant is present in population databases (rs777171069, gnomAD 0.05%), and has an allele count higher than expected for a pathogenic variant. This variant has not been reported in the literature in individuals affected with TOPORS-related conditions. ClinVar contains an entry for this variant (Variation ID: 968860). An algorithm developed to predict the effect of missense changes on protein structure and function (PolyPhen-2) suggests that this variant is likely to be disruptive. In summary, the available evidence is currently insufficient to determine the role of this variant in disease. Therefore, it has been classified as a Variant of Uncertain Significance.

Blueprint Genetics
Classification: Likely benign. Last evaluated: 2023-09-19. Review status: criteria provided, single submitter. Criteria: ACMG Guidelines, 2015. Collection method: clinical testing. Allele origin: germline.

NM_005802.5(TOPORS):c.29C>T (p.Pro10Leu)

Gene: TOPORS (TOP1 binding arginine/serine rich protein, E3 ubiquitin ligase; minus strand). Cytogenetic location: 9p21.1.
Variant type: single nucleotide variant.
Coding change: c.29C>T on transcript NM_005802.5 (MANE Select); coding-DNA position 29, C replaced by T.
Protein change: p.Pro10Leu; replaces proline 10 with leucine.
Molecular consequence: missense variant. On other transcripts: intron variant (1).
Genome position (GRCh38, 1-based): chr9:32,550,943, G>A on the plus strand (C>T on the coding strand, the complement: TOPORS is on the minus strand). VCF-style: chr9-32550943-G-A. GRCh37 (hg19) VCF-style: chr9-32550941-G-A.
Other names: c.3+1491C>T (NM_001195622.2); short protein forms P10L.
Identifiers: ClinVar variation 968860 (VCV000968860.11), dbSNP rs777171069, ClinGen allele CA5020745.